The following is an entry in ClinVar:

ClinVar aggregate classification (germline): Uncertain significance (1 of 4 stars; one submission).

Submission:

GeneDx
Classification: Uncertain significance. Last evaluated: 2026-02-03. Review status: criteria provided, single submitter. Criteria: GeneDx Variant Classification Process June 2021. Collection method: clinical testing. Allele origin: germline.
Comment: Not observed at significant frequency in large population cohorts (gnomAD); In silico analysis supports that this missense variant has a deleterious effect on protein structure/function; Has not been previously published as pathogenic or benign to our knowledge

NM_000384.3(APOB):c.437A>G (p.Glu146Gly)

Gene: APOB (apolipoprotein B; minus strand). Cytogenetic location: 2p24.1.
Variant type: single nucleotide variant.
Coding change: c.437A>G on transcript NM_000384.3 (MANE Select); coding-DNA position 437, A replaced by G.
Protein change: p.Glu146Gly; replaces glutamic acid 146 with glycine.
Molecular consequence: missense variant.
Genome position (GRCh38, 1-based): chr2:21,038,058, T>C on the plus strand (A>G on the coding strand, the complement: APOB is on the minus strand). VCF-style: chr2-21038058-T-C. GRCh37 (hg19) VCF-style: chr2-21260930-T-C.
Other names: short protein forms E146G.
Identifiers: ClinVar variation 4976077 (VCV004976077.1).